The following is an entry in ClinVar:

ClinVar aggregate classification (germline): Uncertain significance. Review status: criteria provided, multiple submitters, no conflicts (2 of 4 stars). 2 submissions from 2 submitters: Uncertain significance (2). Last evaluated 2025-12-02.

Allele frequency attached by ClinVar (database versions not stated): gnomAD exomes 0.00001; ExAC 0.00002.
gnomAD v4.1: 7 of 1,211,661 alleles (0.00058%); highest among the groups gnomAD compares: Non-Finnish European, 0.00067%; no homozygotes.

Submissions (2):

Labcorp Genetics (formerly Invitae), Labcorp
Classification: Uncertain significance. Last evaluated: 2025-12-02. Review status: criteria provided, single submitter. Criteria: Invitae Variant Classification Sherloc (09022015). Collection method: clinical testing. Allele origin: germline.
Comment: This sequence change replaces glycine, which is neutral and non-polar, with glutamic acid, which is acidic and polar, at codon 66 of the DRP2 protein (p.Gly66Glu). This variant is present in population databases (rs766363243, gnomAD 0.005%). This variant has not been reported in the literature in individuals affected with DRP2-related conditions. ClinVar contains an entry for this variant (Variation ID: 1913861). Invitae Evidence Modeling of protein sequence and biophysical properties (such as structural, functional, and spatial information, amino acid conservation, physicochemical variation, residue mobility, and thermodynamic stability) indicates that this missense variant is not expected to disrupt DRP2 protein function with a negative predictive value of 80%. In summary, the available evidence is currently insufficient to determine the role of this variant in disease. Therefore, it has been classified as a Variant of Uncertain Significance.

Ambry Genetics
Classification: Uncertain significance. Last evaluated: 2023-06-23. Review status: criteria provided, single submitter. Criteria: Ambry Variant Classification Scheme 2023. Collection method: clinical testing. Allele origin: germline.

NM_001939.3(DRP2):c.197G>A (p.Gly66Glu)

Gene: DRP2 (dystrophin related protein 2; plus strand). Cytogenetic location: Xq22.1.
Variant type: single nucleotide variant.
Coding change: c.197G>A on transcript NM_001939.3 (MANE Select); coding-DNA position 197, G replaced by A.
Protein change: p.Gly66Glu; replaces glycine 66 with glutamic acid.
Molecular consequence: missense variant. On other transcripts: 5 prime UTR variant (1).
Genome position (GRCh38, 1-based): chrX:101,235,939, G>A. VCF-style: chrX-101235939-G-A. GRCh37 (hg19) VCF-style: chrX-100490928-G-A.
Other names: c.-38G>A (NM_001171184.2); c.197G>A (NM_001939.2); short protein forms G66E.
Identifiers: ClinVar variation 1913861 (VCV001913861.7), dbSNP rs766363243, ClinGen allele CA10472028.
Genomic context (GRCh38, chrX:101,235,939, plus strand): 5'-GCCCTGCACCTCCTCAAGATGGTGCTGGGGTTCCCTGCCTAAGCCTAAAGCTGTTGAACG[G>A]GTCTGTTGGTGCCTCTGGACCCCTGGAACCACCAGCCATGAATCTGTGTTGGAATGAAAT-3'
Protein context (NP_001930.2, residues 56-76): VPCLSLKLLN[Gly66Glu]SVGASGPLEP